The following is an entry in ClinVar:

ClinVar aggregate classification (germline): Pathogenic. Review status: reviewed by expert panel (3 of 4 stars). 5 submissions from 5 submitters: Pathogenic (1). 4 of the submissions do not count toward it. Last evaluated 2025-09-05.

Conditions:
Primary ciliary dyskinesia. Also called: Ciliary dyskinesia. Identifiers: Orphanet 244, MedGen C0008780, MONDO:0016575, HP:0012265.
Retinitis pigmentosa 3. Also called: CHOROIDORETINAL DEGENERATION WITH RETINAL REFLEX IN HETEROZYGOUS WOMEN. Identifiers: Orphanet 791, MedGen C1845667, MONDO:0010227, OMIM 300029.
RPGR-related disorder. Also called: RPGR-related condition.
RPGR-related retinopathy. Also called: RPGR retinopathy. Identifiers: MedGen CN305589, MONDO:0100437.

Submissions (5):

ClinGen X-linked Inherited Retinal Disease Variant Curation Expert Panel, ClinGen
Classification: Pathogenic for RPGR-related retinopathy. Last evaluated: 2025-09-05. Review status: reviewed by expert panel. Criteria: ClinGen X LinkedIRD ACMG Specifications RPGR V1.0.0. Collection method: curation. Allele origin: germline. Inheritance: X-linked inheritance.
Comment: NM_001034853.2(RPGR):c.2655_2656del (p.Glu886GlyfsTer?) is a frameshift variant due to 2-nucleotide deletion in codon 886 introducing a premature stop codon within exon 15 that is predicted to disrupt a critical C-terminal region required for proper glutamylation of RPGR (PVS1, PMID: 36445968). This variant is absent from gnomAD v4.1.0 (PM2_Supporting). This variant has been reported in at least 2 apparently unrelated probands meeting one of the PS4 requirements of a male with some functional vision impairment by age 30 years and/or decreased or absent electroretinogram responses, or a female with functional visual abnormality and documentation of a male relative affected with retinitis pigmentosa (PMIDs: 32679846, 17325176, PS4_Supporting). In summary, this variant is classified as pathogenic for RPGR-related retinopathy based on the ClinGen X-linked Inherited Retinal Disease Expert Panel Specifications to the ACMG/AMP Variant Interpretation Guidelines for RPGR Version 1.0.0; PVS1, PS4_Supporting, and PM2_Supporting.

Labcorp Genetics (formerly Invitae), Labcorp
Classification: Pathogenic for Primary ciliary dyskinesia. Last evaluated: 2025-11-24. Review status: criteria provided, single submitter. Criteria: Invitae Variant Classification Sherloc (09022015). Collection method: clinical testing. Allele origin: germline. Not counted in ClinVar's aggregate classification.
Comment: This sequence change creates a premature translational stop signal (p.Glu886Glyfs*192) in the RPGR (ORF15) gene. While this is not anticipated to result in nonsense mediated decay, it is expected to disrupt the last 267 amino acid(s) of the RPGR (ORF15) protein. This variant is not present in population databases (gnomAD no frequency). This premature translational stop signal has been observed in individual(s) with inherited retinal dystrophy (PMID: 14564670, 33302505). This variant is also known as g.ORF15+902_903delGG. ClinVar contains an entry for this variant (Variation ID: 866097). This variant disrupts a region of the RPGR (ORF15) protein in which other variant(s) (p.Asn1132Thrfs*20) have been determined to be pathogenic (PMID: 18552978, 25283059; internal data). This suggests that this is a clinically significant region of the protein, and that variants that disrupt it are likely to be disease-causing. For these reasons, this variant has been classified as Pathogenic.

PreventionGenetics, part of Exact Sciences
Classification: Pathogenic. Last evaluated: 2022-09-02. Review status: criteria provided, single submitter. Criteria: ACMG Guidelines, 2015. Collection method: clinical testing. Allele origin: germline. Not counted in ClinVar's aggregate classification.

Blueprint Genetics
Classification: Pathogenic for RPGR-related disorders. Last evaluated: 2021-09-18. Review status: criteria provided, single submitter. Criteria: ACMG Guidelines, 2015. Collection method: clinical testing. Allele origin: germline. Affected: yes. Observed: 3 variant alleles. Not counted in ClinVar's aggregate classification.

Institute of Medical Molecular Genetics, University of Zurich
Classification: Pathogenic for Retinitis pigmentosa 3. Last evaluated: 2020-12-21. Review status: criteria provided, single submitter. Criteria: Maggi J et al. (Genes (Basel) 2020). Collection method: research. Allele origin: germline. Affected: yes. Not counted in ClinVar's aggregate classification.

Literature cited by the submitters: PubMed 14564670 (cited by Labcorp Genetics (formerly Invitae), Labcorp); PubMed 33302505 (cited by Labcorp Genetics (formerly Invitae), Labcorp); PubMed 18552978 (cited by Labcorp Genetics (formerly Invitae), Labcorp); PubMed 25283059 (cited by Labcorp Genetics (formerly Invitae), Labcorp).

NM_001034853.2(RPGR):c.2655_2656del (p.Glu886fs)

Gene: RPGR (retinitis pigmentosa GTPase regulator; minus strand). Cytogenetic location: Xp11.4.
Variant type: Deletion.
Coding change: c.2655_2656del on transcript NM_001034853.2 (MANE Select); coding-DNA positions 2655 to 2656, 2 bases deleted (GG; older notation c.2655_2656delGG).
Protein change: p.Glu886fs; shifts the reading frame from glutamic acid 886.
Molecular consequence: frameshift variant. On other transcripts: intron variant (8).
Genome position (GRCh38, 1-based): chrX:38,286,343-38,286,344, CC deleted on the plus strand (GG on the coding strand, the reverse complement: RPGR is on the minus strand); deleting any 2 consecutive bases within chrX:38,286,343-38,286,346 gives the same sequence; the c. name uses the placement nearest the transcript's 3' end. VCF-style (leftmost placement, unchanged base first): chrX-38286342-TCC-T. GRCh37 (hg19) VCF-style: chrX-38145595-TCC-T.
Other names: NM_001034853.2(RPGR):c.2655_2656del; p.Glu886fs; c.2655_2656del (NM_001034853.1); c.1569+4615_1569+4616del (NM_001367249.1, NM_001367250.1); c.1902+750_1902+751del (NM_001367245.1); c.1386+4615_1386+4616del (NM_001367251.1); c.1719+750_1719+751del (NM_001367246.1); c.1572+4615_1572+4616del (NM_001367247.1); and 2 more; short protein forms E886fs.
Identifiers: ClinVar variation 866097 (VCV000866097.8), dbSNP rs2067164096, ClinGen allele CA916083886.